The following is an entry in ClinVar:

ClinVar aggregate classification (germline): Likely pathogenic. Review status: criteria provided, multiple submitters, no conflicts (2 of 4 stars). 3 submissions from 3 submitters: Likely pathogenic (3). Last evaluated 2024-04-16.

Conditions:
Finnish congenital nephrotic syndrome (NPHS1). Also called: NEPHROTIC SYNDROME, TYPE 1. Identifiers: Orphanet 839, MedGen C0403399, MONDO:0009732, OMIM 256300.

Submissions (3):

Fulgent Genetics
Classification: Likely pathogenic for Finnish congenital nephrotic syndrome. Last evaluated: 2024-04-16. Review status: criteria provided, single submitter. Criteria: ACMG Guidelines, 2015. Collection method: clinical testing. Allele origin: germline.

Natera, Inc.
Classification: Likely pathogenic for Finnish congenital nephrotic syndrome. Last evaluated: 2024-03-15. Review status: criteria provided, single submitter. Criteria: Natera Variant Classification Schema (03/2026). Collection method: clinical testing. Allele origin: germline.
Comment: The c.2179_2212+6delACCGCGGAAGCGCGGCTGCGGCTGGACGTGCACTGTGAGC variant in NPHS1 is a frameshift variant predicted to shift the reading frame and introduce a stop codon. This variant is expected to result in nonsense mediated decay, truncation, or a dysfunctional protein product. This variant is rare in the general population with a frequency below the threshold expected for the associated phenotype(s). Given the available evidence, this variant is classified as Likely Pathogenic.

Baylor Genetics
Classification: Likely pathogenic for Finnish congenital nephrotic syndrome. Last evaluated: 2023-09-28. Review status: criteria provided, single submitter. Criteria: ACMG Guidelines, 2015. Collection method: clinical testing. Allele origin: unknown.

NM_004646.4(NPHS1):c.2179_2212+6del

Gene: NPHS1 (NPHS1 adhesion molecule, nephrin; minus strand). Cytogenetic location: 19q13.12.
Variant type: Deletion.
Coding change: c.2179_2212+6del on transcript NM_004646.4 (MANE Select); coding-DNA position 2179 through 6 bases into the intron after coding-DNA position 2212, 40 bases deleted.
Molecular consequence: splice donor variant.
Genome position (GRCh38, 1-based): chr19:35,844,097-35,844,136, 40 bases deleted; deleting any 40 consecutive bases within chr19:35,844,097-35,844,138 gives the same sequence; the c. name uses the placement nearest the transcript's 3' end. GRCh37 (hg19): chr19:36,335,001-36,335,040.
Other names: c.2179_2212+6delACCGCGGAAGCGCGGCTGCGGCTGGACGTGCACTGTGAGC (NM_004646.3).
Identifiers: ClinVar variation 2677292 (VCV002677292.3), dbSNP rs2513771412, ClinGen allele CA2695198188.